The following is an entry in ClinVar:

NM_003742.4(ABCB11):c.3643C>T (p.Gln1215Ter)

Gene: ABCB11 (ATP binding cassette subfamily B member 11; minus strand). Cytogenetic location: 2q31.1.
Variant type: single nucleotide variant.
Coding change: c.3643C>T on transcript NM_003742.4 (MANE Select); coding-DNA position 3643, C replaced by T.
Protein change: p.Gln1215Ter; replaces glutamine 1215 with a stop codon.
Molecular consequence: nonsense.
Genome position (GRCh38, 1-based): chr2:168,924,779, G>A on the plus strand (C>T on the coding strand, the complement: ABCB11 is on the minus strand). VCF-style: chr2-168924779-G-A. GRCh37 (hg19) VCF-style: chr2-169781289-G-A.
Other names: short protein forms Q1215*.
Identifiers: ClinVar variation 4846123 (VCV004846123.1).

ClinVar aggregate classification (germline): Pathogenic (1 of 4 stars; one submission).

Conditions:
Familial intrahepatic cholestasis. Identifiers: Orphanet 284385, MedGen CN296401, MONDO:0017290.

Submission:

Genomenon, Inc
Classification: Pathogenic for Familial intrahepatic cholestasis. Last evaluated: 2026-04-14. Review status: criteria provided, single submitter. Criteria: Genomenon Sequence Variant Interpretation Standards - Updated. Collection method: curation. Allele origin: germline. Affected: yes.
Comment: ABCB11 p.Gln1215Ter (c.3643C>T) is a nonsense variant that introduces a premature stop codon at amino acid position 1215, creating a truncated protein that is predicted to undergo nonsense-mediated mRNA decay. This variant has been observed in at least one proband with an ABCB11-related disorder (PMID:18395098). It is absent or not present at a significant frequency in gnomAD. In conclusion, we classify ABCB11 p.Gln1215Ter (c.3643C>T) as a pathogenic variant.

Literature cited by the submitters: PubMed 18395098.